The following is an entry in ClinVar:

ClinVar aggregate classification (germline): Likely benign. Review status: criteria provided, multiple submitters, no conflicts (2 of 4 stars). 5 submissions from 5 submitters: Likely benign (5). Last evaluated 2025-04-20.

Conditions:
Brachydactyly type B1 (BDB1). Identifiers: Orphanet 572385, Orphanet 93383, MedGen C1862112, MONDO:0007220, OMIM 113000.
Autosomal recessive Robinow syndrome (RRS1). Also called: ROR2-Related Robinow Syndrome; ROBINOW SYNDROME, AUTOSOMAL RECESSIVE 1; COSTOVERTEBRAL SEGMENTATION DEFECT WITH MESOMELIA; COVESDEM SYNDROME. Identifiers: Orphanet 1507, Orphanet 97360, MedGen C5399974, MONDO:0009999, OMIM 268310.

Allele frequency attached by ClinVar (database versions not stated): TOPMed 0.00004; gnomAD 0.00007; ExAC 0.00012; gnomAD exomes 0.00014.
gnomAD v4.1: 114 of 1,613,892 alleles (0.0071%); highest among the groups gnomAD compares: Middle Eastern, 0.25%; no homozygotes.

Submissions (5):

Labcorp Genetics (formerly Invitae), Labcorp
Classification: Likely benign. Last evaluated: 2025-04-20. Review status: criteria provided, single submitter. Criteria: Invitae Variant Classification Sherloc (09022015). Collection method: clinical testing. Allele origin: germline.

Blueprint Genetics
Classification: Likely benign. Last evaluated: 2024-07-10. Review status: criteria provided, single submitter. Criteria: ACMG Guidelines, 2015. Collection method: clinical testing. Allele origin: germline.

CeGaT Center for Human Genetics Tuebingen
Classification: Likely benign. Last evaluated: 2024-02-01. Review status: criteria provided, single submitter. Criteria: CeGaT Center For Human Genetics Tuebingen Variant Classification Criteria Version 2. Collection method: clinical testing. Allele origin: germline. Affected: yes. Observed: 2 variant alleles.
Comment: ROR2: BP4, BP7

Fulgent Genetics
Classification: Likely benign for Brachydactyly type B1; Autosomal recessive Robinow syndrome. Last evaluated: 2022-04-14. Review status: criteria provided, single submitter. Criteria: ACMG Guidelines, 2015. Collection method: clinical testing. Allele origin: unknown.

Breakthrough Genomics
Classification: Likely benign. Review status: criteria provided, single submitter. Criteria: ACMG Guidelines, 2015. Collection method: not provided. Allele origin: germline. Inheritance: Autosomal recessive inheritance. Affected: yes.

NM_004560.4(ROR2):c.2604C>T (p.Ser868=)

Gene: ROR2 (ROR family WNT receptor 2; minus strand). Cytogenetic location: 9q22.31.
Variant type: single nucleotide variant.
Coding change: c.2604C>T on transcript NM_004560.4 (MANE Select); coding-DNA position 2604, C replaced by T.
Protein change: p.Ser868=; no amino-acid change (serine 868 retained).
Molecular consequence: synonymous variant.
Genome position (GRCh38, 1-based): chr9:91,723,890, G>A on the plus strand (C>T on the coding strand, the complement: ROR2 is on the minus strand). VCF-style: chr9-91723890-G-A. GRCh37 (hg19) VCF-style: chr9-94486172-G-A.
Identifiers: ClinVar variation 1595374 (VCV001595374.34), dbSNP rs369150056, ClinGen allele CA5120354.